The following is an entry in ClinVar:

ClinVar aggregate classification (germline): Uncertain significance (1 of 4 stars; one submission).

Submission:

Mayo Clinic Laboratories, Mayo Clinic
Classification: Uncertain significance. Last evaluated: 2023-07-07. Review status: criteria provided, single submitter. Criteria: ACMG Guidelines, 2015. Collection method: clinical testing. Allele origin: germline. Observed: 1 variant allele.
Comment: PM2

NM_001267550.2(TTN):c.416G>C (p.Arg139Pro)

Gene: TTN (titin; minus strand). Cytogenetic location: 2q31.2.
Variant type: single nucleotide variant.
Coding change: c.416G>C on transcript NM_001267550.2 (MANE Select); coding-DNA position 416, G replaced by C.
Protein change: p.Arg139Pro; replaces arginine 139 with proline.
Molecular consequence: missense variant.
Genome position (GRCh38, 1-based): chr2:178,800,562, C>G on the plus strand (G>C on the coding strand, the complement: TTN is on the minus strand). VCF-style: chr2-178800562-C-G. GRCh37 (hg19) VCF-style: chr2-179665289-C-G.
Other names: p.Arg139Pro; c.416G>C, p.Arg139Pro (NM_001256850.1, NM_003319.4, NM_133378.4 and 3 more transcripts); short protein forms R139P.
Identifiers: ClinVar variation 3379395 (VCV003379395.1).
Genomic context (GRCh38, chr2:178,800,562, plus strand): 5'-TAGAGGTCGCCTTCTTGTGAAATTTGGAAATCAAGGGAGCTCTGGATTTCGGCTCCATCC[C>G]GGTAGAACTTCACCACAGGTGTAGGGATTCCAGTCACTCTCACTTGGAGTCTCACTTGGC-3'
Protein context (NP_001254479.2, residues 129-149): GIPTPVVKFY[Arg139Pro]DGAEIQSSLD